The following is an entry in ClinVar:

NM_014989.7(RIMS1):c.101A>G (p.Asn34Ser)

Gene: RIMS1 (regulating synaptic membrane exocytosis 1; plus strand). Cytogenetic location: 6q13.
Variant type: single nucleotide variant.
Coding change: c.101A>G on transcript NM_014989.7 (MANE Select); coding-DNA position 101, A replaced by G.
Protein change: p.Asn34Ser; replaces asparagine 34 with serine.
Molecular consequence: missense variant.
Genome position (GRCh38, 1-based): chr6:71,887,124, A>G. VCF-style: chr6-71887124-A-G. GRCh37 (hg19) VCF-style: chr6-72596827-A-G.
Other names: c.101A>G, p.Asn34Ser (NM_001350411.1, NM_001350412.1, NM_001350413.1); short protein forms N34S.
Identifiers: ClinVar variation 2784466 (VCV002784466.3), dbSNP rs2550901773, ClinGen allele CA364817853.

ClinVar aggregate classification (germline): Uncertain significance (1 of 4 stars; one submission).

Submission:

Labcorp Genetics (formerly Invitae), Labcorp
Classification: Uncertain significance. Last evaluated: 2025-12-25. Review status: criteria provided, single submitter. Criteria: Invitae Variant Classification Sherloc (09022015). Collection method: clinical testing. Allele origin: germline.
Comment: This sequence change replaces asparagine, which is neutral and polar, with serine, which is neutral and polar, at codon 34 of the RIMS1 protein (p.Asn34Ser). This variant is not present in population databases (gnomAD no frequency). This variant has not been reported in the literature in individuals affected with RIMS1-related conditions. ClinVar contains an entry for this variant (Variation ID: 2784466). An algorithm developed to predict the effect of missense changes on protein structure and function (PolyPhen-2) suggests that this variant is likely to be tolerated. In summary, the available evidence is currently insufficient to determine the role of this variant in disease. Therefore, it has been classified as a Variant of Uncertain Significance.